The following is an entry in ClinVar:

ClinVar aggregate classification (germline): Pathogenic. Review status: reviewed by expert panel (3 of 4 stars). 4 submissions from 4 submitters: Pathogenic (1). 3 of the submissions do not count toward it. Last evaluated 2016-09-08.

Conditions:
Hereditary breast ovarian cancer syndrome. Also called: Hereditary breast and ovarian cancer syndrome; Hereditary breast and ovarian cancer; Hereditary breast and ovarian cancer syndrome (HBOC); Breast and ovarian cancer; Hereditary breast and/or ovarian cancer syndrome; BRCA1- and BRCA2-Associated Hereditary Breast and Ovarian Cancer. Identifiers: Orphanet 145, MedGen C0677776, MeSH D061325, MONDO:0003582. Disease mechanism: loss of function.
Breast-ovarian cancer, familial, susceptibility to, 2 (BROVCA2). Also called: BRCA2 Hereditary Breast and Ovarian Cancer. Identifiers: Orphanet 145, MedGen C2675520, MONDO:0012933, OMIM 612555. Disease mechanism: loss of function.

Submissions (4):

Evidence-based Network for the Interpretation of Germline Mutant Alleles (ENIGMA)
Classification: Pathogenic for Breast-ovarian cancer, familial, susceptibility to, 2. Last evaluated: 2016-09-08. Review status: reviewed by expert panel. Criteria: ENIGMA BRCA1/2 Classification Criteria (2015). Collection method: curation. Allele origin: germline.
Comment: Variant allele predicted to encode a truncated non-functional protein.

Women's Health and Genetics/Laboratory Corporation of America, LabCorp
Classification: Pathogenic for Hereditary breast ovarian cancer syndrome. Last evaluated: 2021-04-02. Review status: criteria provided, single submitter. Criteria: LabCorp Variant Classification Summary - May 2015. Collection method: clinical testing. Allele origin: germline. Not counted in ClinVar's aggregate classification.
Comment: Variant summary: BRCA2 c.6198_6199delTT (p.Ser2067HisfsX10) results in a premature termination codon, predicted to cause a truncation of the encoded protein or absence of the protein due to nonsense mediated decay, which are commonly known mechanisms for disease. Truncations downstream of this position have been classified as pathogenic by our laboratory. The variant was absent in 250212 control chromosomes. c.6198_6199delTT has been reported in the literature in multiple individuals affected with Hereditary Breast And Ovarian Cancer Syndrome (example, Frank_1998, Schubert_1997). These data indicate that the variant is very likely to be associated with disease. To our knowledge, no experimental evidence demonstrating an impact on protein function has been reported. One clinical diagnostic laboratory and one expert panel (ENIGMA) have submitted clinical-significance assessments for this variant to ClinVar after 2014 without evidence for independent evaluation. All submitters classified the variant as pathogenic. Based on the evidence outlined above, the variant was classified as pathogenic.

Counsyl
Classification: Pathogenic for Breast-ovarian cancer, familial, susceptibility to, 2. Last evaluated: 2016-04-07. Review status: no assertion criteria provided. Collection method: clinical testing. Allele origin: unknown. Not counted in ClinVar's aggregate classification.

Breast Cancer Information Core (BIC) (BRCA2)
Classification: Pathogenic for Breast-ovarian cancer, familial 2. Last evaluated: 1997-11-13. Review status: no assertion criteria provided. Collection method: clinical testing. Allele origin: germline. Affected: yes. Observed: 4 variant alleles. Not counted in ClinVar's aggregate classification.

Literature cited by the submitters: PubMed 9667259 (cited by Women's Health and Genetics/Laboratory Corporation of America, LabCorp and Counsyl); PubMed 9150150 (cited by Women's Health and Genetics/Laboratory Corporation of America, LabCorp and Counsyl).

NM_000059.4(BRCA2):c.6198_6199del (p.Ser2067fs)

Gene: BRCA2 (BRCA2 DNA repair associated; plus strand). Cytogenetic location: 13q13.1.
Variant type: Deletion.
Coding change: c.6198_6199del on transcript NM_000059.4 (MANE Select); coding-DNA positions 6198 to 6199, 2 bases deleted (TT; older notation c.6198_6199delTT).
Protein change: p.Ser2067fs; shifts the reading frame from serine 2067.
Molecular consequence: frameshift variant.
Genome position (GRCh38, 1-based): chr13:32,340,553-32,340,554, TT deleted; deleting any 2 consecutive bases within chr13:32,340,552-32,340,554 gives the same sequence; the c. name uses the placement nearest the transcript's 3' end. VCF-style (leftmost placement, unchanged base first): chr13-32340551-GTT-G. GRCh37 (hg19) VCF-style: chr13-32914688-GTT-G.
Other names: 6426delTT; c.6198_6199delTT (NM_000059.3); short protein forms S2067fs.
Identifiers: ClinVar variation 52027 (VCV000052027.7), dbSNP rs80359564, ClinGen allele CA023731.